The following is an entry in ClinVar:

Single allele

Genes: ALDOA (aldolase, fructose-bisphosphate A; plus strand), ASPHD1 (aspartate beta-hydroxylase domain containing 1; plus strand), C16orf54 (chromosome 16 open reading frame 54; minus strand), CDIPT (CDP-diacylglycerol--inositol 3-phosphatidyltransferase; minus strand), CDIPTOSP (CDIP transferase opposite strand, pseudogene; plus strand) and 90 more. Cytogenetic location: 16p11.2.
Variant type: Deletion.
Identifiers: ClinVar variation 1703233 (VCV001703233.1).

ClinVar aggregate classification (germline): Pathogenic (1 of 4 stars; one submission).

Conditions:
Chromosome 16p11.2 duplication syndrome. Identifiers: Orphanet 370079, MedGen C3553407, MONDO:0013847, OMIM 614671.

Submission:

Broad Center for Mendelian Genomics, Broad Institute of MIT and Harvard
Classification: Pathogenic for Chromosome 16p11.2 duplication syndrome. Last evaluated: 2022-08-25. Review status: criteria provided, single submitter. Criteria: ACMG/ClinGen CNV Guidelines, 2019. Collection method: curation. Allele origin: germline. Inheritance: Sporadic. Affected: yes.
Comment: There is complete overlap with the PRRT2 gene which is known to be haploinsufficient and has been assessed by the ClinGen Dosage Sensitivity Working Group. The additional gene, TAOK2, also has evidence supporting haploinsufficiency, but has not yet been curated by the clingen dosage sensitivity group (PMID: 29467497). Data from large population studies is insufficient to assess the frequency of this variant. In summary, this variant meets criteria to be classified as pathogenic for Chromosome 16p11.2 Deletion Syndrome, 593-KB. The ACMG/ClinGen evidence codes and points used in this curation are as follows: 1A: 0 points, 2A: 1.00 points, 3C: 0.45 points, 4: 0.0 points, 5A: 0.15 points; Total: 1.60 points; Riggs 2020 (PMID: 31690835).